The following is an entry in ClinVar:

NM_001292063.2(OTOG):c.4261C>T (p.Arg1421Trp)

Gene: OTOG (otogelin; plus strand). Cytogenetic location: 11p15.1.
Variant type: single nucleotide variant.
Coding change: c.4261C>T on transcript NM_001292063.2 (MANE Select); coding-DNA position 4261, C replaced by T.
Protein change: p.Arg1421Trp; replaces arginine 1421 with tryptophan.
Molecular consequence: missense variant.
Genome position (GRCh38, 1-based): chr11:17,608,400, C>T. VCF-style: chr11-17608400-C-T. GRCh37 (hg19) VCF-style: chr11-17629947-C-T.
Other names: c.4297C>T, p.Arg1433Trp (NM_001277269.2); c.4297C>T (NM_001277269.1); short protein forms R1421W, R1433W.
Identifiers: ClinVar variation 2434525 (VCV002434525.6), dbSNP rs764439865, ClinGen allele CA5905830.

ClinVar aggregate classification (germline): Uncertain significance. Review status: criteria provided, multiple submitters, no conflicts (2 of 4 stars). 4 submissions from 4 submitters: Uncertain significance (4). Last evaluated 2026-03-19.

Conditions:
Autosomal recessive disease. Identifiers: MedGen C0265388, MONDO:0006025.
Autosomal recessive nonsyndromic hearing loss 18B. Also called: Deafness, autosomal recessive 18b. Identifiers: Orphanet 90636, MedGen C3554163, MONDO:0013985, OMIM 614945.
OTOG-related disorder. Also called: OTOG-related condition.

Allele frequency attached by ClinVar (database versions not stated): gnomAD 0.00007; ExAC 0.00010; TOPMed 0.00012.
gnomAD v4.1: 515 of 1,541,278 alleles (0.033%); highest among the groups gnomAD compares: Non-Finnish European, 0.043%; no homozygotes.

Submissions (4):

PreventionGenetics, part of Exact Sciences
Classification: Uncertain significance for OTOG-related condition. Last evaluated: 2026-03-19. Review status: criteria provided, single submitter. Criteria: ACMG Guidelines, 2015. Collection method: clinical testing. Allele origin: germline.
Comment: The OTOG c.4297C>T variant is predicted to result in the amino acid substitution p.Arg1433Trp. To our knowledge, this variant has not been reported in the literature. This variant is reported in 0.034% of alleles in individuals of East Asian descent in gnomAD. At this time, the clinical significance of this variant is uncertain due to the absence of conclusive functional and genetic evidence.

Labcorp Genetics (formerly Invitae), Labcorp
Classification: Uncertain significance. Last evaluated: 2024-04-01. Review status: criteria provided, single submitter. Criteria: Invitae Variant Classification Sherloc (09022015). Collection method: clinical testing. Allele origin: germline.
Comment: This sequence change replaces arginine, which is basic and polar, with tryptophan, which is neutral and slightly polar, at codon 1433 of the OTOG protein (p.Arg1433Trp). This variant is present in population databases (rs764439865, gnomAD 0.03%). This variant has not been reported in the literature in individuals affected with OTOG-related conditions. ClinVar contains an entry for this variant (Variation ID: 2434525). Algorithms developed to predict the effect of missense changes on protein structure and function output the following: SIFT: "Not Available"; PolyPhen-2: "Benign"; Align-GVGD: "Not Available". The tryptophan amino acid residue is found in multiple mammalian species, which suggests that this missense change does not adversely affect protein function. In summary, the available evidence is currently insufficient to determine the role of this variant in disease. Therefore, it has been classified as a Variant of Uncertain Significance.

Revvity Omics, Revvity
Classification: Uncertain significance for Autosomal recessive nonsyndromic hearing loss 18B. Last evaluated: 2022-01-25. Review status: criteria provided, single submitter. Criteria: ACMG Guidelines, 2015. Collection method: clinical testing. Allele origin: germline.

Cambridge Genomics Laboratory, East Genomic Laboratory Hub, NHS Genomic Medicine Service
Classification: Uncertain significance for Autosomal recessive disease. Last evaluated: 2020-03-20. Review status: criteria provided, single submitter. Criteria: ACGS Best Practice Guidelines for Variant Classification in Rare Disease 2020. Collection method: clinical testing. Allele origin: germline. Affected: yes. Observed: 1 variant allele.